The following is an entry in ClinVar:

NM_017514.5(PLXNA3):c.5337G>A (p.Lys1779=)

Gene: PLXNA3 (plexin A3; plus strand). Cytogenetic location: Xq28.
Variant type: single nucleotide variant.
Coding change: c.5337G>A on transcript NM_017514.5 (MANE Select); coding-DNA position 5337, G replaced by A.
Protein change: p.Lys1779=; no amino-acid change (lysine 1779 retained).
Molecular consequence: synonymous variant.
Genome position (GRCh38, 1-based): chrX:154,471,285, G>A. VCF-style: chrX-154471285-G-A. GRCh37 (hg19) VCF-style: chrX-153699628-G-A.
Identifiers: ClinVar variation 3348029 (VCV003348029.1).

ClinVar aggregate classification (germline): Likely benign (0 of 4 stars; one submission).

Conditions:
PLXNA3-related disorder. Also called: PLXNA3-related condition.

Submission:

PreventionGenetics, part of Exact Sciences
Classification: Likely benign for PLXNA3-related condition. Last evaluated: 2023-07-28. Review status: no assertion criteria provided. Collection method: clinical testing. Allele origin: germline.
Comment: This variant is classified as likely benign based on ACMG/AMP sequence variant interpretation guidelines (Richards et al. 2015 PMID: 25741868, with internal and published modifications).